The following is an entry in ClinVar:

ClinVar aggregate classification (germline): Uncertain significance. Review status: criteria provided, multiple submitters, no conflicts (2 of 4 stars). 2 submissions from 2 submitters: Uncertain significance (2). Last evaluated 2024-01-25.

Allele frequency attached by ClinVar (database versions not stated): gnomAD 0.00001; TOPMed 0.00001.
gnomAD v4.1: 8 of 1,519,670 alleles (0.00053%); highest among the groups gnomAD compares: South Asian, 0.0025%; no homozygotes.

Submissions (2):

GeneDx
Classification: Uncertain significance. Last evaluated: 2024-01-25. Review status: criteria provided, single submitter. Criteria: GeneDx Variant Classification Process June 2021. Collection method: clinical testing. Allele origin: germline. Affected: yes.
Comment: In silico analysis supports that this missense variant does not alter protein structure/function; Has not been previously published as pathogenic or benign to our knowledge

Labcorp Genetics (formerly Invitae), Labcorp
Classification: Uncertain significance. Last evaluated: 2023-10-06. Review status: criteria provided, single submitter. Criteria: Invitae Variant Classification Sherloc (09022015). Collection method: clinical testing. Allele origin: germline.
Comment: This sequence change replaces alanine, which is neutral and non-polar, with valine, which is neutral and non-polar, at codon 12 of the IFITM5 protein (p.Ala12Val). This variant is not present in population databases (gnomAD no frequency). This variant has not been reported in the literature in individuals affected with IFITM5-related conditions. ClinVar contains an entry for this variant (Variation ID: 1914960). An algorithm developed to predict the effect of missense changes on protein structure and function (PolyPhen-2) suggests that this variant is likely to be tolerated. In summary, the available evidence is currently insufficient to determine the role of this variant in disease. Therefore, it has been classified as a Variant of Uncertain Significance.

NM_001025295.3(IFITM5):c.35C>T (p.Ala12Val)

Gene: IFITM5 (interferon induced transmembrane protein 5; minus strand). Cytogenetic location: 11p15.5.
Variant type: single nucleotide variant.
Coding change: c.35C>T on transcript NM_001025295.3 (MANE Select); coding-DNA position 35, C replaced by T.
Protein change: p.Ala12Val; replaces alanine 12 with valine.
Molecular consequence: missense variant.
Genome position (GRCh38, 1-based): chr11:299,456, G>A on the plus strand (C>T on the coding strand, the complement: IFITM5 is on the minus strand). VCF-style: chr11-299456-G-A. GRCh37 (hg19) VCF-style: chr11-299456-G-A.
Other names: c.35C>T (NM_001025295.2); short protein forms A12V.
Identifiers: ClinVar variation 1914960 (VCV001914960.6), dbSNP rs1433901468, ClinGen allele CA378891131.